The following is an entry in ClinVar:

NM_173630.4(RTTN):c.5610G>A (p.Leu1870=)

Gene: RTTN (rotatin; minus strand). Cytogenetic location: 18q22.2.
Variant type: single nucleotide variant.
Coding change: c.5610G>A on transcript NM_173630.4 (MANE Select); coding-DNA position 5610, G replaced by A.
Protein change: p.Leu1870=; no amino-acid change (leucine 1870 retained).
Molecular consequence: synonymous variant.
Genome position (GRCh38, 1-based): chr18:70,030,913, C>T on the plus strand (G>A on the coding strand, the complement: RTTN is on the minus strand). VCF-style: chr18-70030913-C-T. GRCh37 (hg19) VCF-style: chr18-67698149-C-T.
Other names: c.2874G>A, p.Leu958= (NM_001318520.2).
Identifiers: ClinVar variation 1573581 (VCV001573581.32), dbSNP rs376578513, ClinGen allele CA8994895.

ClinVar aggregate classification (germline): Likely benign. Review status: criteria provided, multiple submitters, no conflicts (2 of 4 stars). 2 submissions from 2 submitters: Likely benign (2). Last evaluated 2024-05-07.

Allele frequency attached by ClinVar (database versions not stated): ExAC 0.00008; TOPMed 0.00008; gnomAD 0.00009; gnomAD exomes 0.00009 and 0.00011; ESP Exome Variant Server 0.00016.
gnomAD v4.1: 179 of 1,613,580 alleles (0.011%); highest among the groups gnomAD compares: Non-Finnish European, 0.014%; no homozygotes.

Submissions (2):

Labcorp Genetics (formerly Invitae), Labcorp
Classification: Likely benign. Last evaluated: 2024-05-07. Review status: criteria provided, single submitter. Criteria: Invitae Variant Classification Sherloc (09022015). Collection method: clinical testing. Allele origin: germline.

CeGaT Center for Human Genetics Tuebingen
Classification: Likely benign. Last evaluated: 2023-07-01. Review status: criteria provided, single submitter. Criteria: CeGaT Center For Human Genetics Tuebingen Variant Classification Criteria Version 2. Collection method: clinical testing. Allele origin: germline. Affected: yes. Observed: 2 variant alleles.
Comment: RTTN: BP4, BP7